The following is an entry in ClinVar:

NM_001875.5(CPS1):c.1365A>C (p.Glu455Asp)

Gene: CPS1 (carbamoyl-phosphate synthase 1; plus strand). Cytogenetic location: 2q34.
Variant type: single nucleotide variant.
Coding change: c.1365A>C on transcript NM_001875.5 (MANE Select); coding-DNA position 1365, A replaced by C.
Protein change: p.Glu455Asp; replaces glutamic acid 455 with aspartic acid.
Molecular consequence: missense variant. On other transcripts: non-coding transcript variant (2).
Genome position (GRCh38, 1-based): chr2:210,599,377, A>C. VCF-style: chr2-210599377-A-C. GRCh37 (hg19) VCF-style: chr2-211464101-A-C.
Other names: c.1365A>C, p.Glu455Asp (NM_001122633.3, NM_001369257.1); c.1398A>C, p.Glu466Asp (NM_001369256.1); short protein forms E466D, E455D.
Identifiers: ClinVar variation 852938 (VCV000852938.10), dbSNP rs1248150090, ClinGen allele CA350435073.

ClinVar aggregate classification (germline): Uncertain significance. Review status: criteria provided, multiple submitters, no conflicts (2 of 4 stars). 3 submissions from 3 submitters: Uncertain significance (2). 1 of the submissions does not count toward it. Last evaluated 2023-08-19.

Conditions:
Inborn genetic diseases. Identifiers: MedGen C0950123, MeSH D030342.
Congenital hyperammonemia, type I. Also called: Carbamoyl phosphate synthetase 1 deficiency; Hyperammonemia due to carbamoyl phosphate synthetase 1 deficiency; CPS 1 deficiency; Carbamyl phosphate synthetase (CPS) deficiency; CPS I DEFICIENCY; Carbamoyl-phosphate synthase I deficiency. Identifiers: Orphanet 147, MedGen C4082171, MONDO:0009376, OMIM 237300.

Allele frequency attached by ClinVar (database versions not stated): gnomAD exomes 0.00001; gnomAD 0.00002; TOPMed 0.00002.
gnomAD v4.1: 13 of 1,612,054 alleles (0.00081%); highest among the groups gnomAD compares: Non-Finnish European, 0.0011%; no homozygotes.

Submissions (3):

Ambry Genetics
Classification: Uncertain significance for Inborn genetic diseases. Last evaluated: 2023-08-19. Review status: criteria provided, single submitter. Criteria: Ambry Variant Classification Scheme 2023. Collection method: clinical testing. Allele origin: germline.

Labcorp Genetics (formerly Invitae), Labcorp
Classification: Uncertain significance for Congenital hyperammonemia, type I. Last evaluated: 2021-08-28. Review status: criteria provided, single submitter. Criteria: Invitae Variant Classification Sherloc (09022015). Collection method: clinical testing. Allele origin: germline.
Comment: This sequence change replaces glutamic acid with aspartic acid at codon 455 of the CPS1 protein (p.Glu455Asp). The glutamic acid residue is moderately conserved and there is a small physicochemical difference between glutamic acid and aspartic acid. This variant is not present in population databases (ExAC no frequency). This variant has not been reported in the literature in individuals affected with CPS1-related conditions. Algorithms developed to predict the effect of missense changes on protein structure and function are either unavailable or do not agree on the potential impact of this missense change (SIFT: "Tolerated"; PolyPhen-2: "Probably Damaging"; Align-GVGD: "Class C0"). In summary, the available evidence is currently insufficient to determine the role of this variant in disease. Therefore, it has been classified as a Variant of Uncertain Significance.

Natera, Inc.
Classification: Uncertain significance for Carbamoyl-phosphate synthase I deficiency. Last evaluated: 2020-01-09. Review status: no assertion criteria provided. Collection method: clinical testing. Allele origin: germline. Not counted in ClinVar's aggregate classification.